The following is an entry in ClinVar:

NM_004463.3(FGD1):c.1192-1G>A

Gene: FGD1 (FYVE, RhoGEF and PH domain containing 1; minus strand). Cytogenetic location: Xp11.22.
Variant type: single nucleotide variant.
Coding change: c.1192-1G>A on transcript NM_004463.3 (MANE Select); the canonical splice acceptor site of the intron before coding-DNA position 1192, G replaced by A.
Molecular consequence: splice acceptor variant.
Genome position (GRCh38, 1-based): chrX:54,467,933, C>T on the plus strand (G>A on the coding strand, the complement: FGD1 is on the minus strand). VCF-style: chrX-54467933-C-T. GRCh37 (hg19) VCF-style: chrX-54494366-C-T.
Identifiers: ClinVar variation 4074389 (VCV004074389.1).

ClinVar aggregate classification (germline): Pathogenic (1 of 4 stars; one submission).

Submission:

GeneDx
Classification: Pathogenic. Last evaluated: 2025-02-06. Review status: criteria provided, single submitter. Criteria: GeneDx Variant Classification Process June 2021. Collection method: clinical testing. Allele origin: germline. Affected: yes.
Comment: Canonical splice site variant predicted to result in a null allele in a gene for which loss of function is a known mechanism of disease; Not observed at significant frequency in large population cohorts (gnomAD); This variant is associated with the following publications: (PMID: 33067218)